The following is an entry in ClinVar:

NM_001077525.3(MTMR14):c.1364G>C (p.Gly455Ala)

Gene: MTMR14 (myotubularin related protein 14; plus strand). Cytogenetic location: 3p25.3.
Variant type: single nucleotide variant.
Coding change: c.1364G>C on transcript NM_001077525.3 (MANE Select); coding-DNA position 1364, G replaced by C.
Protein change: p.Gly455Ala; replaces glycine 455 with alanine.
Molecular consequence: missense variant. On other transcripts: non-coding transcript variant (9).
Genome position (GRCh38, 1-based): chr3:9,689,013, G>C. VCF-style: chr3-9689013-G-C. GRCh37 (hg19) VCF-style: chr3-9730697-G-C.
Other names: c.1364G>C, p.Gly455Ala (NM_001077526.3, NM_022485.5); c.1433G>C, p.Gly478Ala (NM_001400518.1, NM_001400521.1); c.1361G>C, p.Gly454Ala (NM_001400519.1, NM_001400522.1); c.1289G>C, p.Gly430Ala (NM_001400520.1, NM_001400523.1, NM_001400528.1); c.1118G>C, p.Gly373Ala (NM_001400524.1, NM_001400527.1, NM_001400530.1); c.1082G>C, p.Gly361Ala (NM_001400525.1, NM_001400529.1, NM_001400532.1); c.1358G>C, p.Gly453Ala (NM_001400526.1); c.1115G>C, p.Gly372Ala (NM_001400531.1); and 5 more; short protein forms G168A, G454A, G336A, G361A, G373A, G453A, G455A, G216A.
Identifiers: ClinVar variation 3665632 (VCV003665632.15).

ClinVar aggregate classification (germline): Uncertain significance. Review status: criteria provided, multiple submitters, no conflicts (2 of 4 stars). 2 submissions from 2 submitters: Uncertain significance (2). Last evaluated 2024-12-01.

gnomAD v4.1: 17 of 1,613,832 alleles (0.0011%); highest among the groups gnomAD compares: Non-Finnish European, 0.0012%; no homozygotes.

Submissions (2):

CeGaT Center for Human Genetics Tuebingen
Classification: Uncertain significance. Last evaluated: 2024-12-01. Review status: criteria provided, single submitter. Criteria: CeGaT Center For Human Genetics Tuebingen Variant Classification Criteria Version 2. Collection method: clinical testing. Allele origin: germline. Affected: yes. Observed: 1 variant allele.
Comment: MTMR14: PM2

Labcorp Genetics (formerly Invitae), Labcorp
Classification: Uncertain significance. Last evaluated: 2024-05-01. Review status: criteria provided, single submitter. Criteria: Invitae Variant Classification Sherloc (09022015). Collection method: clinical testing. Allele origin: germline.
Comment: This sequence change replaces glycine, which is neutral and non-polar, with alanine, which is neutral and non-polar, at codon 455 of the MTMR14 protein (p.Gly455Ala). This variant is present in population databases (no rsID available, gnomAD 0.002%). This variant has not been reported in the literature in individuals affected with MTMR14-related conditions. Advanced modeling of protein sequence and biophysical properties (such as structural, functional, and spatial information, amino acid conservation, physicochemical variation, residue mobility, and thermodynamic stability) performed at Invitae indicates that this missense variant is not expected to disrupt MTMR14 protein function with a negative predictive value of 80%. In summary, the available evidence is currently insufficient to determine the role of this variant in disease. Therefore, it has been classified as a Variant of Uncertain Significance.